The following is an entry in ClinVar:

NM_001042492.3(NF1):c.8417G>T (p.Gly2806Val)

Gene: NF1 (neurofibromin 1; plus strand). Cytogenetic location: 17q11.2.
Variant type: single nucleotide variant.
Coding change: c.8417G>T on transcript NM_001042492.3 (MANE Select); coding-DNA position 8417, G replaced by T.
Protein change: p.Gly2806Val; replaces glycine 2806 with valine.
Molecular consequence: missense variant.
Genome position (GRCh38, 1-based): chr17:31,374,052, G>T. VCF-style: chr17-31374052-G-T. GRCh37 (hg19) VCF-style: chr17-29701070-G-T.
Other names: c.8354G>T, p.Gly2785Val (NM_000267.4); short protein forms G2785V, G2806V.
Identifiers: ClinVar variation 3237984 (VCV003237984.1), dbSNP rs2151601353.
Genomic context (GRCh38, chr17:31,374,052, plus strand): 5'-GGCTGTTCTCTTTTTCTCCAGGAATCGACAAGGAGAACGTTGAACTCTCCCCTACCACTG[G>T]CCACTGTAACAGTGGACGAACTCGCCACGGATCCGCAAGCCAAGTGCAGAAGCAAAGAAG-3'
Protein context (NP_001035957.1, residues 2796-2816): KENVELSPTT[Gly2806Val]HCNSGRTRHG

ClinVar aggregate classification (germline): Uncertain significance (1 of 4 stars; one submission).

Conditions:
Hereditary cancer-predisposing syndrome. Also called: Neoplastic Syndromes, Hereditary; Tumor predisposition; Hereditary neoplastic syndrome; Hereditary Cancer Syndrome. Identifiers: Orphanet 140162, MedGen C0027672, MeSH D009386, MONDO:0015356.
Cardiovascular phenotype. Identifiers: MedGen CN230736.

Submission:

Ambry Genetics
Classification: Uncertain significance for Cardiovascular phenotype; Hereditary cancer-predisposing syndrome. Last evaluated: 2023-09-21. Review status: criteria provided, single submitter. Criteria: Ambry Variant Classification Scheme 2023. Collection method: clinical testing. Allele origin: germline.
Comment: The p.G2785V variant (also known as c.8354G>T), located in coding exon 57 of the NF1 gene, results from a G to T substitution at nucleotide position 8354. The glycine at codon 2785 is replaced by valine, an amino acid with dissimilar properties. This amino acid position is conserved. In addition, this alteration is predicted to be tolerated by in silico analysis. Since supporting evidence is limited at this time, the clinical significance of this alteration remains unclear.